The following is an entry in ClinVar:

NM_004329.3(BMPR1A):c.1459T>A (p.Trp487Arg)

Gene: BMPR1A (bone morphogenetic protein receptor type 1A; plus strand). Cytogenetic location: 10q23.2.
Variant type: single nucleotide variant.
Coding change: c.1459T>A on transcript NM_004329.3 (MANE Select); coding-DNA position 1459, T replaced by A.
Protein change: p.Trp487Arg; replaces tryptophan 487 with arginine.
Molecular consequence: missense variant.
Genome position (GRCh38, 1-based): chr10:86,923,492, T>A. VCF-style: chr10-86923492-T-A. GRCh37 (hg19) VCF-style: chr10-88683249-T-A.
Other names: short protein forms W487R.
Identifiers: ClinVar variation 801057 (VCV000801057.18), dbSNP rs112883778, ClinGen allele CA377463180.

ClinVar aggregate classification (germline): Uncertain significance. Review status: criteria provided, multiple submitters, no conflicts (2 of 4 stars). 4 submissions from 4 submitters: Uncertain significance (4). Last evaluated 2025-10-21.

Conditions:
Juvenile polyposis syndrome (JPS). Identifiers: Orphanet 2929, MedGen C0345893, MONDO:0017380, OMIM 174900.
Hereditary cancer-predisposing syndrome. Also called: Neoplastic Syndromes, Hereditary; Hereditary Cancer Syndrome; Tumor predisposition; Hereditary neoplastic syndrome. Identifiers: Orphanet 140162, MedGen C0027672, MeSH D009386, MONDO:0015356.

Allele frequency attached by ClinVar (database versions not stated): TOPMed below 0.00001.

Submissions (4):

Labcorp Genetics (formerly Invitae), Labcorp
Classification: Uncertain significance for Juvenile polyposis syndrome. Last evaluated: 2025-10-21. Review status: criteria provided, single submitter. Criteria: Invitae Variant Classification Sherloc (09022015). Collection method: clinical testing. Allele origin: germline.
Comment: This sequence change replaces tryptophan, which is neutral and slightly polar, with arginine, which is basic and polar, at codon 487 of the BMPR1A protein (p.Trp487Arg). This variant is not present in population databases (gnomAD no frequency). This variant has not been reported in the literature in individuals affected with BMPR1A-related conditions. ClinVar contains an entry for this variant (Variation ID: 801057). Invitae Evidence Modeling of protein sequence and biophysical properties (such as structural, functional, and spatial information, amino acid conservation, physicochemical variation, residue mobility, and thermodynamic stability) indicates that this missense variant is expected to disrupt BMPR1A protein function with a positive predictive value of 80%. In summary, the available evidence is currently insufficient to determine the role of this variant in disease. Therefore, it has been classified as a Variant of Uncertain Significance.

Quest Diagnostics Nichols Institute San Juan Capistrano
Classification: Uncertain significance. Last evaluated: 2025-05-06. Review status: criteria provided, single submitter. Criteria: Quest Diagnostics criteria. Collection method: clinical testing. Allele origin: unknown.
Comment: The BMPR1A c.1459T>A (p.Trp487Arg) variant has not been reported as a germline variant in the published literature. However, one functional study observed that this variant decreased the signaling function of the BMPR1A protein (PMID: 21203531 (2010)). This variant has not been reported in large, multi-ethnic general populations (Genome Aggregation Database). Analysis of this variant using bioinformatics tools for the prediction of the effect of amino acid changes on protein structure and function yielded predictions that this variant is damaging. Based on the available information, we are unable to determine the clinical significance of this variant.

Ambry Genetics
Classification: Uncertain significance for Hereditary cancer-predisposing syndrome. Last evaluated: 2025-04-23. Review status: criteria provided, single submitter. Criteria: Ambry Variant Classification Scheme 2023. Collection method: clinical testing. Allele origin: germline.
Comment: The p.W487R variant (also known as c.1459T>A), located in coding exon 10 of the BMPR1A gene, results from a T to A substitution at nucleotide position 1459. The tryptophan at codon 487 is replaced by arginine, an amino acid with dissimilar properties. This amino acid position is highly conserved in available vertebrate species. In addition, this alteration is predicted to be deleterious by in silico analysis. Since supporting evidence is limited at this time, the clinical significance of this alteration remains unclear.

All of Us Research Program, National Institutes of Health
Classification: Uncertain significance for Juvenile polyposis syndrome. Last evaluated: 2024-06-10. Review status: criteria provided, single submitter. Criteria: ACMG Guidelines, 2015. Collection method: clinical testing. Allele origin: germline. Inheritance: Autosomal dominant inheritance. Observed: 3 variant alleles, 3 heterozygotes.
Comment: This missense variant replaces tryptophan with arginine at codon 487 of the BMPR1A protein. Computational prediction is inconclusive regarding the impact of this variant on protein structure and function (internally defined REVEL score threshold 0.5 < inconclusive < 0.7, PMID: 27666373). A functional study has shown this variant to result in a partial loss of BMPR1A protein function in a luciferase reporter gene assay (PMID: 21203531). This variant has been reported in an individual affected with colorectal cancer (PMID: 21203531). This variant has not been identified in the general population by the Genome Aggregation Database (gnomAD). The available evidence is insufficient to determine the role of this variant in disease conclusively. Therefore, this variant is classified as a Variant of Uncertain Significance.

This study involves interpretation of variants in research participants for the purpose of population health screening. Participant phenotype was not available at the time of variant classification. Additional details can be found in publication PMID: 35346344, PMCID: PMC8962531

Literature cited by the submitters: PubMed 39195204 (cited by Quest Diagnostics Nichols Institute San Juan Capistrano); PubMed 21203531 (cited by Quest Diagnostics Nichols Institute San Juan Capistrano and All of Us Research Program, National Institutes of Health); PubMed 30884445 (cited by Quest Diagnostics Nichols Institute San Juan Capistrano).